The following is an entry in ClinVar:

NM_007294.4(BRCA1):c.81-15C>T

Gene: BRCA1 (BRCA1 DNA repair associated; minus strand). Cytogenetic location: 17q21.31.
Variant type: single nucleotide variant.
Coding change: c.81-15C>T on transcript NM_007294.4 (MANE Select); 15 bases into the intron before coding-DNA position 81, C replaced by T.
Molecular consequence: intron variant.
Genome position (GRCh38, 1-based): chr17:43,115,794, G>A on the plus strand (C>T on the coding strand, the complement: BRCA1 is on the minus strand). VCF-style: chr17-43115794-G-A. GRCh37 (hg19) VCF-style: chr17-41267811-G-A.
Other names: c.-61-15C>T (NM_001408458.1, NM_001408470.1, NM_001407848.1 and 47 more transcripts); c.-219+9483C>T (NM_001407967.1); c.-170+9483C>T (NM_001407959.1); c.-7-9261C>T (NM_001407931.1, NM_001407747.1, NM_001408511.1 and 2 more transcripts); c.-223-15C>T (NM_001407962.1, NM_001408512.1, NM_001408510.1 and 1 more transcripts); c.-108-15C>T (NM_001407885.1, NM_001407886.1, NM_001408509.1 and 52 more transcripts); c.-177-15C>T (NM_001407746.1, NM_001408468.1, NM_001407842.1 and 13 more transcripts); c.-8+8223C>T (NM_001408461.1, NM_001407738.1, NM_001407932.1 and 23 more transcripts); and 10 more.
Identifiers: ClinVar variation 865081 (VCV000865081.3), dbSNP rs1555599314, ClinGen allele CA916081061.

Conditions:
Breast-ovarian cancer, familial, susceptibility to, 1 (BROVCA1). Also called: BRCA1 Hereditary Breast and Ovarian Cancer; OVARIAN CANCER, SUSCEPTIBILITY TO. Identifiers: Orphanet 145, MedGen C2676676, MONDO:0011450, OMIM 604370. Disease mechanism: loss of function.

Submission:

Brotman Baty Institute, University of Washington
No classification provided (evidence only). Condition: Breast-ovarian cancer, familial 1. Review status: no classification provided. Collection method: in vitro. Allele origin: not applicable. Functional consequence: functionally_normal.
ClinVar note: "not provided" was previously submitted as the classification for the variant. However, the classification appeared to be based only on an observation of functional data so it was converted to no classification on 2025-07-30.